The following is an entry in ClinVar:

ClinVar aggregate classification (germline): Uncertain significance (1 of 4 stars; one submission).

Conditions:
Joubert syndrome 6 (JBTS6). Identifiers: Orphanet 475, MedGen C1853153, MONDO:0012539, OMIM 610688.

Submission:

Laboratorio de Genetica e Diagnostico Molecular, Hospital Israelita Albert Einstein
Classification: Uncertain significance for Joubert syndrome 6. Last evaluated: 2022-01-19. Review status: criteria provided, single submitter. Criteria: ACMG Guidelines, 2015. Collection method: clinical testing. Allele origin: germline. Affected: yes.
Comment: ACMG classification criteria: PM2 moderate, BP4 supporting

NM_153704.6(TMEM67):c.345T>G (p.Ile115Met)

Gene: TMEM67 (transmembrane protein 67; plus strand). Cytogenetic location: 8q22.1.
Variant type: single nucleotide variant.
Coding change: c.345T>G on transcript NM_153704.6 (MANE Select); coding-DNA position 345, T replaced by G.
Protein change: p.Ile115Met; replaces isoleucine 115 with methionine.
Molecular consequence: missense variant. On other transcripts: 5 prime UTR variant (1), non-coding transcript variant (1).
Genome position (GRCh38, 1-based): chr8:93,758,515, T>G. VCF-style: chr8-93758515-T-G. GRCh37 (hg19) VCF-style: chr8-94770743-T-G.
Other names: c.-33T>G (NM_001142301.1); short protein forms I115M.
Identifiers: ClinVar variation 1683751 (VCV001683751.2), dbSNP rs2130544888, ClinGen allele CA371685804.